The following is an entry in ClinVar:

NM_006892.4(DNMT3B):c.289C>T (p.Arg97Cys)

Gene: DNMT3B (DNA methyltransferase 3 beta; plus strand). Cytogenetic location: 20q11.21.
Variant type: single nucleotide variant.
Coding change: c.289C>T on transcript NM_006892.4 (MANE Select); coding-DNA position 289, C replaced by T.
Protein change: p.Arg97Cys; replaces arginine 97 with cysteine.
Molecular consequence: missense variant. On other transcripts: intron variant (1).
Genome position (GRCh38, 1-based): chr20:32,784,842, C>T. VCF-style: chr20-32784842-C-T. GRCh37 (hg19) VCF-style: chr20-31372648-C-T.
Other names: c.289C>T, p.Arg97Cys (NM_001207055.2, NM_175848.2, NM_175849.2); c.325C>T, p.Arg109Cys (NM_175850.3); c.205-2388C>T (NM_001207056.2); short protein forms R109C, R97C.
Identifiers: ClinVar variation 1512131 (VCV001512131.5), dbSNP rs769220144, ClinGen allele CA313183071.
Genomic context (GRCh38, chr20:32,784,842, plus strand): 5'-GAAGATGGGGATGGCTCTGACACCCCAGTCATGCCAAAGCTCTTCCGGGAAACCAGGACT[C>T]GTTCAGAAAGCCCAGCTGTAAGTAGCCACACCTCGAGCCAAAGCACTTGTGGCCAACACT-3'
Protein context (NP_008823.1, residues 87-107): MPKLFRETRT[Arg97Cys]SESPAVRTRN

ClinVar aggregate classification (germline): Uncertain significance (1 of 4 stars; one submission).

Conditions:
Centromeric instability of chromosomes 1,9 and 16 and immunodeficiency (ICF1). Also called: CENTROMERIC INSTABILITY, IMMUNODEFICIENCY SYNDROME; Immunodeficiency-centromeric instability-facial anomalies; IMMUNE DEFICIENCY, VARIABLE, WITH CENTROMERIC INSTABILITY OF CHROMOSOMES 1, 9, AND 16; IMMUNODEFICIENCY SYNDROME, VARIABLE. Identifiers: Orphanet 2268, MedGen C0398788, MONDO:0000133.

Allele frequency attached by ClinVar (database versions not stated): gnomAD exomes 0.00002 and 0.00005.
gnomAD v4.1: 71 of 1,613,962 alleles (0.0044%); highest among the groups gnomAD compares: South Asian, 0.0055%; no homozygotes.

Submission:

Labcorp Genetics (formerly Invitae), Labcorp
Classification: Uncertain significance for Centromeric instability of chromosomes 1,9 and 16 and immunodeficiency. Last evaluated: 2021-08-31. Review status: criteria provided, single submitter. Criteria: Invitae Variant Classification Sherloc (09022015). Collection method: clinical testing. Allele origin: germline.
Comment: This sequence change replaces arginine with cysteine at codon 97 of the DNMT3B protein (p.Arg97Cys). The arginine residue is moderately conserved and there is a large physicochemical difference between arginine and cysteine. This variant is not present in population databases (ExAC no frequency). This variant has not been reported in the literature in individuals affected with DNMT3B-related conditions. Algorithms developed to predict the effect of missense changes on protein structure and function are either unavailable or do not agree on the potential impact of this missense change (SIFT: "Deleterious"; PolyPhen-2: "Possibly Damaging"; Align-GVGD: "Class C0"). In summary, the available evidence is currently insufficient to determine the role of this variant in disease. Therefore, it has been classified as a Variant of Uncertain Significance.